The following is an entry in ClinVar:

NM_017950.4(CCDC40):c.2892G>A (p.Ala964=)

Gene: CCDC40 (coiled-coil domain 40 molecular ruler complex subunit; plus strand). Cytogenetic location: 17q25.3.
Variant type: single nucleotide variant.
Coding change: c.2892G>A on transcript NM_017950.4 (MANE Select); coding-DNA position 2892, G replaced by A.
Protein change: p.Ala964=; no amino-acid change (alanine 964 retained).
Molecular consequence: synonymous variant.
Genome position (GRCh38, 1-based): chr17:80,095,322, G>A. VCF-style: chr17-80095322-G-A. GRCh37 (hg19) VCF-style: chr17-78069121-G-A.
Identifiers: ClinVar variation 260964 (VCV000260964.44), dbSNP rs146360951, ClinGen allele CA8814541.

ClinVar aggregate classification (germline): Conflicting classifications of pathogenicity. Review status: criteria provided, conflicting classifications (1 of 4 stars). 6 submissions from 6 submitters: Uncertain significance (1); Benign (1); Likely benign (4). Last evaluated 2026-02-01.

Conditions:
Primary ciliary dyskinesia. Also called: Ciliary dyskinesia. Identifiers: Orphanet 244, MedGen C0008780, MONDO:0016575, HP:0012265.
Primary ciliary dyskinesia 15. Also called: CILIARY DYSKINESIA, PRIMARY, 15, WITH OR WITHOUT SITUS INVERSUS. Identifiers: Orphanet 244, MedGen C3151137, MONDO:0013435, OMIM 613808.

Allele frequency attached by ClinVar (database versions not stated): 1000 Genomes Project 30x 0.00016; 1000 Genomes Project 0.00020; gnomAD exomes 0.00027 and 0.00039; ExAC 0.00033; gnomAD 0.00034 and 0.00037; TOPMed 0.00036; ESP Exome Variant Server 0.00054.
gnomAD v4.1: 485 of 1,614,106 alleles (0.03%); highest among the groups gnomAD compares: Middle Eastern, 0.56%; 3 homozygotes.

Submissions (6):

Labcorp Genetics (formerly Invitae), Labcorp
Classification: Benign for Primary ciliary dyskinesia. Last evaluated: 2026-02-01. Review status: criteria provided, single submitter. Criteria: Invitae Variant Classification Sherloc (09022015). Collection method: clinical testing. Allele origin: germline.

Blueprint Genetics
Classification: Likely benign. Last evaluated: 2024-10-29. Review status: criteria provided, single submitter. Criteria: ACMG Guidelines, 2015. Collection method: clinical testing. Allele origin: germline.

CeGaT Center for Human Genetics Tuebingen
Classification: Likely benign. Last evaluated: 2022-09-01. Review status: criteria provided, single submitter. Criteria: CeGaT Center For Human Genetics Tuebingen Variant Classification Criteria Version 2. Collection method: clinical testing. Allele origin: germline. Affected: yes. Observed: 1 variant allele.
Comment: CCDC40: BP4, BP7

Ambry Genetics
Classification: Likely benign for Primary ciliary dyskinesia. Last evaluated: 2019-11-20. Review status: criteria provided, single submitter. Criteria: Ambry Variant Classification Scheme 2023. Collection method: clinical testing. Allele origin: germline.

Illumina Laboratory Services, Illumina
Classification: Uncertain significance for Primary ciliary dyskinesia 15. Last evaluated: 2018-01-13. Review status: criteria provided, single submitter. Criteria: ICSL Variant Classification Criteria 13 December 2019. Collection method: clinical testing. Allele origin: germline.

PreventionGenetics, part of Exact Sciences
Classification: Likely benign. Review status: criteria provided, single submitter. Criteria: ACMG Guidelines, 2015. Collection method: clinical testing. Allele origin: germline.